The following is an entry in ClinVar:

NM_001440.4(EXTL3):c.596A>G (p.Tyr199Cys)

Gene: EXTL3 (exostosin like glycosyltransferase 3; plus strand). Cytogenetic location: 8p21.1.
Variant type: single nucleotide variant.
Coding change: c.596A>G on transcript NM_001440.4 (MANE Select); coding-DNA position 596, A replaced by G.
Protein change: p.Tyr199Cys; replaces tyrosine 199 with cysteine.
Molecular consequence: missense variant.
Genome position (GRCh38, 1-based): chr8:28,716,655, A>G. VCF-style: chr8-28716655-A-G. GRCh37 (hg19) VCF-style: chr8-28574172-A-G.
Other names: c.596A>G, p.Tyr199Cys (NM_001437797.1, NM_001438399.1, NM_001438400.1 and 4 more transcripts); short protein forms Y199C.
Identifiers: ClinVar variation 4700353 (VCV004700353.1).
Genomic context (GRCh38, chr8:28,716,655, plus strand): 5'-TACACAACTGCTTTGATTATTCTCGTTGCCCTCTCACCTCTGGCTTCCCGGTCTACGTCT[A>G]TGACAGTGACCAGTTTGTCTTTGGCAGCTACCTGGATCCCTTGGTCAAGCAGGCTTTTCA-3'
Protein context (NP_001431.1, residues 189-209): PLTSGFPVYV[Tyr199Cys]DSDQFVFGSY

ClinVar aggregate classification (germline): Uncertain significance (1 of 4 stars; one submission).

gnomAD v4.1: 1 of 1,614,194 alleles (0.000062%); highest among the groups gnomAD compares: Admixed American, 0.0017%; no homozygotes.

Submission:

Labcorp Genetics (formerly Invitae), Labcorp
Classification: Uncertain significance. Last evaluated: 2025-03-05. Review status: criteria provided, single submitter. Criteria: Invitae Variant Classification Sherloc (09022015). Collection method: clinical testing. Allele origin: germline.
Comment: This sequence change replaces tyrosine, which is neutral and polar, with cysteine, which is neutral and slightly polar, at codon 199 of the EXTL3 protein (p.Tyr199Cys). This variant is not present in population databases (gnomAD no frequency). This variant has not been reported in the literature in individuals affected with EXTL3-related conditions. Invitae Evidence Modeling of protein sequence and biophysical properties (such as structural, functional, and spatial information, amino acid conservation, physicochemical variation, residue mobility, and thermodynamic stability) indicates that this missense variant is not expected to disrupt EXTL3 protein function with a negative predictive value of 80%. In summary, the available evidence is currently insufficient to determine the role of this variant in disease. Therefore, it has been classified as a Variant of Uncertain Significance.